The following is an entry in ClinVar:

ClinVar aggregate classification (germline): Uncertain significance. Review status: criteria provided, multiple submitters, no conflicts (2 of 4 stars). 2 submissions from 2 submitters: Uncertain significance (2). Last evaluated 2025-11-29.

Conditions:
Wilms tumor 1 (WT1). Also called: Wilms tumor, somatic. Identifiers: Orphanet 654, MedGen CN033288, MONDO:0008679, OMIM 194070.
11p partial monosomy syndrome (WAGR). Also called: WAGR Complex; WAGR Spectrum Disorder; WAGR syndrome; CHROMOSOME 11p13 DELETION SYNDROME. Identifiers: Orphanet 893, MedGen C0206115, MONDO:0008681, OMIM 194072.
Drash syndrome (DDS). Also called: NEPHROPATHY, WILMS TUMOR, AND GENITAL ANOMALIES; WILMS TUMOR AND PSEUDO- OR TRUE HERMAPHRODITISM. Identifiers: Orphanet 220, MedGen C0950121, MONDO:0008682, OMIM 194080.
Frasier syndrome. Identifiers: Orphanet 347, MedGen C0950122, MeSH D052159, MONDO:0007635, OMIM 136680.
Inborn genetic diseases. Identifiers: MedGen C0950123, MeSH D030342.

gnomAD v4.1: 1 of 1,608,898 alleles (0.000062%); highest among the groups gnomAD compares: Non-Finnish European, 0.000085%; no homozygotes.

Submissions (2):

Ambry Genetics
Classification: Uncertain significance for Inborn genetic diseases. Last evaluated: 2025-11-29. Review status: criteria provided, single submitter. Criteria: Ambry Variant Classification Scheme 2023. Collection method: clinical testing. Allele origin: germline.
Comment: The p.P264L variant (also known as c.791C>T), located in coding exon 3 of the WT1 gene, results from a C to T substitution at nucleotide position 791. The proline at codon 264 is replaced by leucine, an amino acid with similar properties. This amino acid position is conserved. In addition, the in silico prediction for this alteration is inconclusive. Based on the available evidence, the clinical significance of this variant remains unclear.

Labcorp Genetics (formerly Invitae), Labcorp
Classification: Uncertain significance for Wilms tumor 1; Drash syndrome; 11p partial monosomy syndrome; Frasier syndrome. Last evaluated: 2023-12-30. Review status: criteria provided, single submitter. Criteria: Invitae Variant Classification Sherloc (09022015). Collection method: clinical testing. Allele origin: germline.
Comment: This sequence change replaces proline, which is neutral and non-polar, with leucine, which is neutral and non-polar, at codon 264 of the WT1 protein (p.Pro264Leu). This variant is not present in population databases (gnomAD no frequency). This variant has not been reported in the literature in individuals affected with WT1-related conditions. ClinVar contains an entry for this variant (Variation ID: 580482). An algorithm developed to predict the effect of missense changes on protein structure and function (PolyPhen-2) suggests that this variant is likely to be disruptive. In summary, the available evidence is currently insufficient to determine the role of this variant in disease. Therefore, it has been classified as a Variant of Uncertain Significance.

NM_024426.6(WT1):c.806C>T (p.Pro269Leu)

Gene: WT1 (WT1 transcription factor; minus strand). Cytogenetic location: 11p13.
Variant type: single nucleotide variant.
Coding change: c.806C>T on transcript NM_024426.6 (MANE Select); coding-DNA position 806, C replaced by T.
Protein change: p.Pro269Leu; replaces proline 269 with leucine.
Molecular consequence: missense variant. On other transcripts: non-coding transcript variant (1).
Genome position (GRCh38, 1-based): chr11:32,428,037, G>A on the plus strand (C>T on the coding strand, the complement: WT1 is on the minus strand). VCF-style: chr11-32428037-G-A. GRCh37 (hg19) VCF-style: chr11-32449583-G-A.
Other names: c.806C>T, p.Pro269Leu (NM_000378.6, NM_001407044.1, NM_001407045.1 and 4 more transcripts); c.155C>T, p.Pro52Leu (NM_001198551.2, NM_001198552.2); c.683C>T, p.Pro228Leu (NM_001407047.1, NM_001407050.1); c.44C>T, p.Pro15Leu (NM_001407051.1); c.791C>T, p.Pro264Leu (NM_024425.2); short protein forms P269L, P52L, P228L, P15L.
Identifiers: ClinVar variation 580482 (VCV000580482.12), dbSNP rs756078681, ClinGen allele CA379963107.